The following is an entry in ClinVar:

NM_138694.4(PKHD1):c.4798G>A (p.Gly1600Arg)

Genes: PKHD1 (PKHD1 ciliary IPT domain containing fibrocystin/polyductin; minus strand), LOC126859690 (MED14-independent group 3 enhancer GRCh37_chr6:51888848-51890047; plus strand). Cytogenetic location: 6p12.2.
Variant type: single nucleotide variant.
Coding change: c.4798G>A on transcript NM_138694.4 (MANE Select); coding-DNA position 4798, G replaced by A.
Protein change: p.Gly1600Arg; replaces glycine 1600 with arginine.
Molecular consequence: missense variant.
Genome position (GRCh38, 1-based): chr6:52,025,012, C>T on the plus strand (G>A on the coding strand, the complement: PKHD1 is on the minus strand). VCF-style: chr6-52025012-C-T. GRCh37 (hg19) VCF-style: chr6-51889810-C-T.
Other names: c.4798G>A, p.Gly1600Arg (NM_170724.3); short protein forms G1600R.
Identifiers: ClinVar variation 4816675 (VCV004816675.1).

ClinVar aggregate classification (germline): Likely pathogenic (1 of 4 stars; one submission).

Conditions:
Autosomal recessive polycystic kidney disease (ARPKD). Also called: AR polycystic kidney disease. Identifiers: Orphanet 731, Orphanet 8378, MedGen C0085548, MeSH D017044, MONDO:0009889.

Submission:

Natera, Inc.
Classification: Likely pathogenic for Autosomal recessive polycystic kidney disease. Last evaluated: 2025-06-05. Review status: criteria provided, single submitter. Criteria: Natera Variant Classification Schema (03/2026). Collection method: clinical testing. Allele origin: germline.
Comment: The c.4798G>A variant in PKHD1 is a missense variant predicted to cause substitution of glycine to arginine at amino acid 1600. This variant is rare in the general population with a frequency below the threshold expected for the associated phenotype(s). This variant has been observed in one or more individuals affected with the associated recessive disease, as either homozygous or compound heterozygous with a second variant (PMID: 36307859). This variant has been identified in one or more affected individuals with a phenotype highly consistent with the associated gene (PMID: 36307859). Computational prediction algorithms indicate this variant is likely to affect gene or protein function. Given the available evidence, this variant is classified as Likely Pathogenic.

Literature cited by the submitters: PubMed 36307859.